The following is an entry in ClinVar:

NM_003579.4(RAD54L):c.1624C>T (p.Arg542Cys)

Gene: RAD54L (RAD54 like; plus strand). Cytogenetic location: 1p34.1.
Variant type: single nucleotide variant.
Coding change: c.1624C>T on transcript NM_003579.4 (MANE Select); coding-DNA position 1624, C replaced by T.
Protein change: p.Arg542Cys; replaces arginine 542 with cysteine.
Molecular consequence: missense variant.
Genome position (GRCh38, 1-based): chr1:46,274,151, C>T. VCF-style: chr1-46274151-C-T. GRCh37 (hg19) VCF-style: chr1-46739823-C-T.
Other names: c.1624C>T, p.Arg542Cys (NM_001142548.2); c.1084C>T, p.Arg362Cys (NM_001370766.1); short protein forms R542C, R362C.
Identifiers: ClinVar variation 225054 (VCV000225054.5), dbSNP rs374567435, ClinGen allele CA358266.

ClinVar aggregate classification (germline): Likely pathogenic. Review status: criteria provided, multiple submitters, no conflicts (2 of 4 stars). 2 submissions from 2 submitters: Likely pathogenic (2). Last evaluated 2013-08-30.

Conditions:
Polymorphous low grade neuroepithelial tumor of the young. Also called: Polymorphous low grade neuroepithelial tumour of the young. Identifiers: MedGen C5556330, MONDO:0858959.
Inborn genetic diseases. Identifiers: MedGen C0950123, MeSH D030342.

Allele frequency attached by ClinVar (database versions not stated): ExAC 0.00013; gnomAD 0.00004; TOPMed 0.00014; gnomAD exomes 0.00005 and 0.00017; ESP Exome Variant Server 0.00008.
gnomAD v4.1: 80 of 1,613,170 alleles (0.005%); highest among the groups gnomAD compares: Admixed American, 0.08%; no homozygotes.

Submissions (2):

Ambry Genetics
Classification: Likely pathogenic for Inborn genetic diseases. Last evaluated: 2013-08-30. Review status: criteria provided, single submitter. Criteria: Ambry Autosomal Dominant and X-Linked criteria (10/2015). Collection method: clinical testing. Allele origin: germline. Observed: 1 variant allele.

Laboratory of Medical Genetics Unit, Bambino Gesù Children's Hospital
Classification: Likely pathogenic for Polymorphous low grade neuroepithelial tumor of the young. Review status: criteria provided, single submitter. Criteria: ACMG Guidelines, 2015. Collection method: research. Allele origin: germline. Affected: yes.
Comment: The variant NM_003579.4 (RAD54L): c.1624C>T (p.Arg542Cys) is rare in GnomAD. It is not reported in literature. It is annotated on Clinvar as likely pathogenic in Inborn Genetic Disease [RCV000210737]. It is classified as likely pathogenic variant following the ACMG criteria (PM2, PP3 and PP5).